The following is an entry in ClinVar:

ClinVar aggregate classification (germline): Uncertain significance (1 of 4 stars; one submission).

Conditions:
Cardiovascular phenotype. Identifiers: MedGen CN230736.

Submission:

Ambry Genetics
Classification: Uncertain significance for Cardiovascular phenotype. Last evaluated: 2019-07-12. Review status: criteria provided, single submitter. Criteria: Ambry Variant Classification Scheme 2023. Collection method: clinical testing. Allele origin: germline.
Comment: The p.Q25868R variant (also known as c.77603A>G), located in coding exon 185 of the TTN gene, results from an A to G substitution at nucleotide position 77603. The glutamine at codon 25868 is replaced by arginine, an amino acid with highly similar properties. This amino acid position is highly conserved in available vertebrate species. In addition, this alteration is predicted to be tolerated by in silico analysis. Since supporting evidence is limited at this time, the clinical significance of this alteration remains unclear.

NM_001267550.2(TTN):c.104798A>G (p.Gln34933Arg)

Genes: TTN (titin; minus strand), TTN-AS1 (TTN antisense RNA 1; plus strand). Cytogenetic location: 2q31.2.
Variant type: single nucleotide variant.
Coding change: c.104798A>G on transcript NM_001267550.2 (MANE Select); coding-DNA position 104798, A replaced by G.
Protein change: p.Gln34933Arg; replaces glutamine 34933 with arginine.
Molecular consequence: missense variant.
Genome position (GRCh38, 1-based): chr2:178,531,817, T>C on the plus strand (A>G on the coding strand, the complement: TTN is on the minus strand). VCF-style: chr2-178531817-T-C. GRCh37 (hg19) VCF-style: chr2-179396544-T-C.
Other names: c.99875A>G, p.Gln33292Arg (NM_001256850.1); c.77603A>G, p.Gln25868Arg (NM_003319.4); c.97094A>G, p.Gln32365Arg (NM_133378.4); c.77978A>G, p.Gln25993Arg (NM_133432.3); c.78179A>G, p.Gln26060Arg (NM_133437.4); short protein forms Q25868R, Q25993R, Q34933R, Q26060R, Q32365R, Q33292R.
Identifiers: ClinVar variation 1760501 (VCV001760501.2), dbSNP rs746213185, ClinGen allele CA349410900.